The following is an entry in ClinVar:

NM_001458.5(FLNC):c.2305G>A (p.Val769Met)

Gene: FLNC (filamin C; plus strand). Cytogenetic location: 7q32.1.
Variant type: single nucleotide variant.
Coding change: c.2305G>A on transcript NM_001458.5 (MANE Select); coding-DNA position 2305, G replaced by A.
Protein change: p.Val769Met; replaces valine 769 with methionine.
Molecular consequence: missense variant.
Genome position (GRCh38, 1-based): chr7:128,842,614, G>A. VCF-style: chr7-128842614-G-A. GRCh37 (hg19) VCF-style: chr7-128482668-G-A.
Other names: c.2305G>A, p.Val769Met (NM_001127487.2); short protein forms V769M.
Identifiers: ClinVar variation 3748888 (VCV003748888.3).

ClinVar aggregate classification (germline): Uncertain significance. Review status: criteria provided, multiple submitters, no conflicts (2 of 4 stars). 2 submissions from 2 submitters: Uncertain significance (2). Last evaluated 2026-08-07.

Conditions:
Cardiovascular phenotype. Identifiers: MedGen CN230736.
Hypertrophic cardiomyopathy 26. Also called: Cardiomyopathy, familial hypertrophic, 26. Identifiers: Orphanet 75249, MedGen C4310749, MONDO:0014883, OMIM 617047.
Myofibrillar myopathy 5. Also called: Filaminopathy (type); FILAMINOPATHY, AUTOSOMAL DOMINANT. Identifiers: Orphanet 171445, MedGen C1836050, MONDO:0012289, OMIM 609524.
Distal myopathy with posterior leg and anterior hand involvement. Also called: WILLIAMS DISTAL MYOPATHY. Identifiers: Orphanet 63273, MedGen C3279722, MONDO:0013550, OMIM 614065.

Submissions (2):

Ambry Genetics
Classification: Uncertain significance for Cardiovascular phenotype. Last evaluated: 2026-08-07. Review status: criteria provided, single submitter. Criteria: Ambry Variant Classification Scheme 2023. Collection method: clinical testing. Allele origin: germline.
Comment: The p.V769M variant (also known as c.2305G>A), located in coding exon 15 of the FLNC gene, results from a G to A substitution at nucleotide position 2305. The valine at codon 769 is replaced by methionine, an amino acid with highly similar properties. This amino acid position is highly conserved in available vertebrate species. In addition, this alteration is predicted to be deleterious by in silico analysis. Based on the available evidence, the clinical significance of this variant remains unclear.

Labcorp Genetics (formerly Invitae), Labcorp
Classification: Uncertain significance for Distal myopathy with posterior leg and anterior hand involvement; Myofibrillar myopathy 5; Hypertrophic cardiomyopathy 26. Last evaluated: 2024-12-19. Review status: criteria provided, single submitter. Criteria: Invitae Variant Classification Sherloc (09022015). Collection method: clinical testing. Allele origin: germline.
Comment: This sequence change replaces valine, which is neutral and non-polar, with methionine, which is neutral and non-polar, at codon 769 of the FLNC protein (p.Val769Met). This variant is not present in population databases (gnomAD no frequency). This variant has not been reported in the literature in individuals affected with FLNC-related conditions. Invitae Evidence Modeling of protein sequence and biophysical properties (such as structural, functional, and spatial information, amino acid conservation, physicochemical variation, residue mobility, and thermodynamic stability) has been performed for this missense variant. However, the output from this modeling did not meet the statistical confidence thresholds required to predict the impact of this variant on FLNC protein function. In summary, the available evidence is currently insufficient to determine the role of this variant in disease. Therefore, it has been classified as a Variant of Uncertain Significance.